The following is an entry in ClinVar:

NC_000003.12:g.169764910G>A

Genes: TERC (telomerase RNA component; minus strand), LOC110806306 (telomerase RNA component (TERC) promoter; plus strand). Cytogenetic location: 3q26.2.
Variant type: single nucleotide variant.
Genome position: GRCh38 VCF-style: chr3-169764910-G-A. GRCh37 (hg19) VCF-style: chr3-169482698-G-A.
Identifiers: ClinVar variation 952251 (VCV000952251.10), dbSNP rs768990533, ClinGen allele CA2696818.

ClinVar aggregate classification (germline): Uncertain significance (1 of 4 stars; one submission).

Conditions:
Dyskeratosis congenita, autosomal dominant 1 (DKCA1). Also called: Dyskeratosis congenita Scoggins type. Identifiers: Orphanet 1775, MedGen C4551974, MONDO:0007485, OMIM 127550. Inheritance: Variable.

Allele frequency attached by ClinVar (database versions not stated): gnomAD exomes below 0.00001 and 0.00001; TOPMed below 0.00001; ExAC 0.00001; gnomAD 0.00001.
gnomAD v4.1: 2 of 765,072 alleles (0.00026%); highest among the groups gnomAD compares: Non-Finnish European, 0.00048%; no homozygotes.

Submission:

Labcorp Genetics (formerly Invitae), Labcorp
Classification: Uncertain significance for Dyskeratosis congenita, autosomal dominant 1. Last evaluated: 2022-06-03. Review status: criteria provided, single submitter. Criteria: Invitae Variant Classification Sherloc (09022015). Collection method: clinical testing. Allele origin: germline.
Comment: In summary, the available evidence is currently insufficient to determine the role of this variant in disease. Therefore, it has been classified as a Variant of Uncertain Significance. This variant is located within the template/pseudoknot domain of the TERC RNA component, which is required for RNA or RNP stability (PMID: 15082312, 21844345). ClinVar contains an entry for this variant (Variation ID: 952251). This variant has not been reported in the literature in individuals affected with TERC-related conditions. This variant is present in population databases (rs768990533, gnomAD 0.002%). This variant occurs in the TERC gene, which encodes an RNA molecule that does not result in a protein product.

Literature cited by the submitters: PubMed 15082312; PubMed 21844345.